The following is an entry in ClinVar:

ClinVar aggregate classification (germline): Uncertain significance (1 of 4 stars; one submission).

Conditions:
Inborn genetic diseases. Identifiers: MedGen C0950123, MeSH D030342.

Submission:

Ambry Genetics
Classification: Uncertain significance for Inborn genetic diseases. Last evaluated: 2024-11-18. Review status: criteria provided, single submitter. Criteria: Ambry Variant Classification Scheme 2023. Collection method: clinical testing. Allele origin: germline.
Comment: The p.A1478V variant (also known as c.4433C>T), located in coding exon 13 of the ASXL1 gene, results from a C to T substitution at nucleotide position 4433. The alanine at codon 1478 is replaced by valine, an amino acid with similar properties. This amino acid position is conserved. In addition, this alteration is predicted to be tolerated by in silico analysis. Based on the available evidence, the clinical significance of this variant remains unclear.

NM_015338.6(ASXL1):c.4433C>T (p.Ala1478Val)

Gene: ASXL1 (ASXL transcriptional regulator 1; plus strand). Cytogenetic location: 20q11.21.
Variant type: single nucleotide variant.
Coding change: c.4433C>T on transcript NM_015338.6 (MANE Select); coding-DNA position 4433, C replaced by T.
Protein change: p.Ala1478Val; replaces alanine 1478 with valine.
Molecular consequence: missense variant.
Genome position (GRCh38, 1-based): chr20:32,437,145, C>T. VCF-style: chr20-32437145-C-T. GRCh37 (hg19) VCF-style: chr20-31024948-C-T.
Other names: c.4250C>T, p.Ala1417Val (NM_001363734.1); short protein forms A1478V, A1417V.
Identifiers: ClinVar variation 3438237 (VCV003438237.1).